The following is an entry in ClinVar:

ClinVar aggregate classification (germline): Uncertain significance. Review status: criteria provided, multiple submitters, no conflicts (2 of 4 stars). 2 submissions from 2 submitters: Uncertain significance (2). Last evaluated 2025-07-20.

Conditions:
Charcot-Marie-Tooth disease type 2. Also called: Charcot-Marie-Tooth type 2. Identifiers: Orphanet 64746, MedGen C0270914, MONDO:0018993.

Allele frequency attached by ClinVar (database versions not stated): gnomAD exomes below 0.00001.
gnomAD v4.1: 1 of 1,614,086 alleles (0.000062%); highest among the groups gnomAD compares: Non-Finnish European, 0.000085%; no homozygotes.

Submissions (2):

Ambry Genetics
Classification: Uncertain significance. Last evaluated: 2025-07-20. Review status: criteria provided, single submitter. Criteria: Ambry Variant Classification Scheme 2023. Collection method: clinical testing. Allele origin: germline.
Comment: The p.T1726R variant (also known as c.5177C>G), located in coding exon 45 of the KIF1B gene, results from a C to G substitution at nucleotide position 5177. The threonine at codon 1726 is replaced by arginine, an amino acid with similar properties. This amino acid position is highly conserved in available vertebrate species. In addition, this alteration is predicted to be deleterious by in silico analysis. The evidence for this gene-disease relationship is limited; therefore, the clinical significance of this alteration is unclear.

Labcorp Genetics (formerly Invitae), Labcorp
Classification: Uncertain significance for Charcot-Marie-Tooth disease type 2. Last evaluated: 2025-03-21. Review status: criteria provided, single submitter. Criteria: Invitae Variant Classification Sherloc (09022015). Collection method: clinical testing. Allele origin: germline.
Comment: This sequence change replaces threonine, which is neutral and polar, with arginine, which is basic and polar, at codon 1726 of the KIF1B protein (p.Thr1726Arg). This variant is not present in population databases (gnomAD no frequency). This variant has not been reported in the literature in individuals affected with KIF1B-related conditions. ClinVar contains an entry for this variant (Variation ID: 2561697). An algorithm developed to predict the effect of missense changes on protein structure and function (PolyPhen-2) suggests that this variant is likely to be tolerated. In summary, the available evidence is currently insufficient to determine the role of this variant in disease. Therefore, it has been classified as a Variant of Uncertain Significance.

NM_001365951.3(KIF1B):c.5315C>G (p.Thr1772Arg)

Gene: KIF1B (kinesin family member 1B; plus strand). Cytogenetic location: 1p36.22.
Variant type: single nucleotide variant.
Coding change: c.5315C>G on transcript NM_001365951.3 (MANE Select); coding-DNA position 5315, C replaced by G.
Protein change: p.Thr1772Arg; replaces threonine 1772 with arginine.
Molecular consequence: missense variant.
Genome position (GRCh38, 1-based): chr1:10,375,280, C>G. VCF-style: chr1-10375280-C-G. GRCh37 (hg19) VCF-style: chr1-10435338-C-G.
Other names: c.5315C>G, p.Thr1772Arg (NM_001365952.1); c.5177C>G, p.Thr1726Arg (NM_015074.3); short protein forms T1772R, T1726R.
Identifiers: ClinVar variation 2561697 (VCV002561697.5), dbSNP rs2521986242, ClinGen allele CA338331723.